The following is an entry in ClinVar:

ClinVar aggregate classification (germline): Uncertain significance. Review status: criteria provided, multiple submitters, no conflicts (2 of 4 stars). 2 submissions from 2 submitters: Uncertain significance (2). Last evaluated 2025-03-06.

Conditions:
Pulmonary fibrosis and/or bone marrow failure, Telomere-related, 3. Also called: PULMONARY FIBROSIS AND/OR BONE MARROW FAILURE SYNDROME, TELOMERE-RELATED, 3. Identifiers: Orphanet 2032, MedGen C4225346, MONDO:0014613, OMIM 616373.
Dyskeratosis congenita, autosomal recessive 5 (DKCB5). Identifiers: MedGen C3554656, MONDO:0014076, OMIM 615190.
Inborn genetic diseases. Identifiers: MedGen C0950123, MeSH D030342.

Allele frequency attached by ClinVar (database versions not stated): gnomAD exomes below 0.00001; gnomAD 0.00001; TOPMed 0.00003.
gnomAD v4.1: 3 of 1,597,180 alleles (0.00019%); highest among the groups gnomAD compares: Admixed American, 0.0034%; no homozygotes.

Submissions (2):

Ambry Genetics
Classification: Uncertain significance for Inborn genetic diseases. Last evaluated: 2025-03-06. Review status: criteria provided, single submitter. Criteria: Ambry Variant Classification Scheme 2023. Collection method: clinical testing. Allele origin: germline.
Comment: The p.P1034S variant (also known as c.3100C>T), located in coding exon 30 of the RTEL1 gene, results from a C to T substitution at nucleotide position 3100. The proline at codon 1034 is replaced by serine, an amino acid with similar properties. This amino acid position is conserved. In addition, this alteration is predicted to be tolerated by in silico analysis. Based on the available evidence, the clinical significance of this variant remains unclear.

Labcorp Genetics (formerly Invitae), Labcorp
Classification: Uncertain significance for Dyskeratosis congenita, autosomal recessive 5; Pulmonary fibrosis and/or bone marrow failure, Telomere-related, 3. Last evaluated: 2024-07-01. Review status: criteria provided, single submitter. Criteria: Invitae Variant Classification Sherloc (09022015). Collection method: clinical testing. Allele origin: germline.
Comment: This sequence change replaces proline, which is neutral and non-polar, with serine, which is neutral and polar, at codon 1034 of the RTEL1 protein (p.Pro1034Ser). This variant is not present in population databases (gnomAD no frequency). This variant has not been reported in the literature in individuals affected with RTEL1-related conditions. Algorithms developed to predict the effect of missense changes on protein structure and function output the following: SIFT: "Not Available"; PolyPhen-2: "Benign"; Align-GVGD: "Not Available". The serine amino acid residue is found in multiple mammalian species, which suggests that this missense change does not adversely affect protein function. In summary, the available evidence is currently insufficient to determine the role of this variant in disease. Therefore, it has been classified as a Variant of Uncertain Significance.

NM_001283009.2(RTEL1):c.3100C>T (p.Pro1034Ser)

Genes: RTEL1 (regulator of telomere elongation helicase 1; plus strand), RTEL1-TNFRSF6B (RTEL1-TNFRSF6B readthrough (NMD candidate); plus strand). Cytogenetic location: 20q13.33.
Variant type: single nucleotide variant.
Coding change: c.3100C>T on transcript NM_001283009.2 (MANE Select); coding-DNA position 3100, C replaced by T.
Protein change: p.Pro1034Ser; replaces proline 1034 with serine.
Molecular consequence: missense variant. On other transcripts: non-coding transcript variant (1).
Genome position (GRCh38, 1-based): chr20:63,694,479, C>T. VCF-style: chr20-63694479-C-T. GRCh37 (hg19) VCF-style: chr20-62325832-C-T.
Other names: c.2431C>T, p.Pro811Ser (NM_001283010.1); c.3100C>T, p.Pro1034Ser (NM_016434.4); c.3172C>T, p.Pro1058Ser (NM_032957.5); short protein forms P1034S, P811S, P1058S.
Identifiers: ClinVar variation 2938505 (VCV002938505.4), dbSNP rs2090916594, ClinGen allele CA409684705.
Genomic context (GRCh38, chr20:63,694,479, plus strand): 5'-CAGCAGCTGGACCCCCAAGAGCACCTGAACCAGGGCAGGCCCCACCTGTCGCCCAGGCCA[C>T]CCCCAACAGGTAGCTGACTCCTGAACCGTGTGCAGCCTACGACTTGGTGGGTCCCTCAGT-3'
Protein context (NP_001269938.1, residues 1024-1044): QGRPHLSPRP[Pro1034Ser]PTGDPGSQPQ